The following is an entry in ClinVar:

NM_001458.5(FLNC):c.4897A>C (p.Thr1633Pro)

Gene: FLNC (filamin C; plus strand). Cytogenetic location: 7q32.1.
Variant type: single nucleotide variant.
Coding change: c.4897A>C on transcript NM_001458.5 (MANE Select); coding-DNA position 4897, A replaced by C.
Protein change: p.Thr1633Pro; replaces threonine 1633 with proline.
Molecular consequence: missense variant.
Genome position (GRCh38, 1-based): chr7:128,848,952, A>C. VCF-style: chr7-128848952-A-C. GRCh37 (hg19) VCF-style: chr7-128489006-A-C.
Other names: c.4897A>C, p.Thr1633Pro (NM_001127487.2); short protein forms T1633P.
Identifiers: ClinVar variation 4812735 (VCV004812735.1).

ClinVar aggregate classification (germline): Uncertain significance (1 of 4 stars; one submission).

Conditions:
Hypertrophic cardiomyopathy 26. Also called: Cardiomyopathy, familial hypertrophic, 26. Identifiers: Orphanet 75249, MedGen C4310749, MONDO:0014883, OMIM 617047.
Myofibrillar myopathy 5. Also called: Filaminopathy (type); FILAMINOPATHY, AUTOSOMAL DOMINANT. Identifiers: Orphanet 171445, MedGen C1836050, MONDO:0012289, OMIM 609524.
Distal myopathy with posterior leg and anterior hand involvement. Also called: WILLIAMS DISTAL MYOPATHY. Identifiers: Orphanet 63273, MedGen C3279722, MONDO:0013550, OMIM 614065.

gnomAD v4.1: 3 of 1,612,472 alleles (0.00019%); highest among the groups gnomAD compares: Non-Finnish European, 0.00025%; no homozygotes.

Submission:

Labcorp Genetics (formerly Invitae), Labcorp
Classification: Uncertain significance for Distal myopathy with posterior leg and anterior hand involvement; Myofibrillar myopathy 5; Hypertrophic cardiomyopathy 26. Last evaluated: 2025-07-20. Review status: criteria provided, single submitter. Criteria: Invitae Variant Classification Sherloc (09022015). Collection method: clinical testing. Allele origin: germline.
Comment: This sequence change replaces threonine, which is neutral and polar, with proline, which is neutral and non-polar, at codon 1633 of the FLNC protein (p.Thr1633Pro). This variant is not present in population databases (gnomAD no frequency). This variant has not been reported in the literature in individuals affected with FLNC-related conditions. Invitae Evidence Modeling of protein sequence and biophysical properties (such as structural, functional, and spatial information, amino acid conservation, physicochemical variation, residue mobility, and thermodynamic stability) has been performed for this missense variant. However, the output from this modeling did not meet the statistical confidence thresholds required to predict the impact of this variant on FLNC protein function. In summary, the available evidence is currently insufficient to determine the role of this variant in disease. Therefore, it has been classified as a Variant of Uncertain Significance.